The following is an entry in ClinVar:

NM_001375567.1(FOCAD):c.699+5G>T

Gene: FOCAD (focadhesin; plus strand). Cytogenetic location: 9p21.3.
Variant type: single nucleotide variant.
Coding change: c.699+5G>T on transcript NM_001375567.1 (MANE Select); 5 bases into the intron after coding-DNA position 699, G replaced by T.
Molecular consequence: intron variant.
Genome position (GRCh38, 1-based): chr9:20,765,078, G>T. VCF-style: chr9-20765078-G-T. GRCh37 (hg19) VCF-style: chr9-20765077-G-T.
Other names: c.699+5G>T (NM_017794.5, NM_001375568.1); c.594+5G>T (NM_001375570.1).
Identifiers: ClinVar variation 3628454 (VCV003628454.2).

ClinVar aggregate classification (germline): Uncertain significance (1 of 4 stars; one submission).

gnomAD v4.1: 4 of 1,610,222 alleles (0.00025%); highest among the groups gnomAD compares: African/African-American, 0.0013%; no homozygotes.

Submission:

Labcorp Genetics (formerly Invitae), Labcorp
Classification: Uncertain significance. Last evaluated: 2024-11-18. Review status: criteria provided, single submitter. Criteria: Invitae Variant Classification Sherloc (09022015). Collection method: clinical testing. Allele origin: germline.
Comment: This sequence change falls in intron 9 of the FOCAD gene. It does not directly change the encoded amino acid sequence of the FOCAD protein. It affects a nucleotide within the consensus splice site. This variant is present in population databases (no rsID available, gnomAD 0.002%). This variant has not been reported in the literature in individuals affected with FOCAD-related conditions. Variants that disrupt the consensus splice site are a relatively common cause of aberrant splicing (PMID: 17576681, 9536098). In summary, the available evidence is currently insufficient to determine the role of this variant in disease. Therefore, it has been classified as a Variant of Uncertain Significance.

Literature cited by the submitters: PubMed 17576681; PubMed 9536098.